The following is an entry in ClinVar:

ClinVar aggregate classification (germline): Uncertain significance (1 of 4 stars; one submission).

Submission:

GeneDx
Classification: Uncertain significance. Last evaluated: 2025-07-17. Review status: criteria provided, single submitter. Criteria: GeneDx Variant Classification Process June 2021. Collection method: clinical testing. Allele origin: germline. Affected: yes.
Comment: Not observed at significant frequency in large population cohorts (gnomAD); In silico analysis supports that this missense variant has a deleterious effect on protein structure/function; Has not been previously published as pathogenic or benign to our knowledge

NM_000414.4(HSD17B4):c.167A>G (p.Asp56Gly)

Gene: HSD17B4 (hydroxysteroid 17-beta dehydrogenase 4; plus strand). Cytogenetic location: 5q23.1.
Variant type: single nucleotide variant.
Coding change: c.167A>G on transcript NM_000414.4 (MANE Select); coding-DNA position 167, A replaced by G.
Protein change: p.Asp56Gly; replaces aspartic acid 56 with glycine.
Molecular consequence: missense variant. On other transcripts: 5 prime UTR variant (6), non-coding transcript variant (2).
Genome position (GRCh38, 1-based): chr5:119,473,962, A>G. VCF-style: chr5-119473962-A-G. GRCh37 (hg19) VCF-style: chr5-118809657-A-G.
Other names: c.95A>G, p.Asp32Gly (NM_001292027.2); c.-245A>G (NM_001292028.2, NM_001374501.1); c.167A>G, p.Asp56Gly (NM_001374497.1, NM_001374498.1); c.-114A>G (NM_001374499.1); c.-372A>G (NM_001374500.1); c.-250A>G (NM_001374502.1, NM_001374503.1); c.242A>G, p.Asp81Gly (NM_001199291.3); c.113A>G, p.Asp38Gly (NM_001199292.2); short protein forms D32G, D38G, D56G, D81G.
Identifiers: ClinVar variation 4686427 (VCV004686427.1).
Genomic context (GRCh38, chr5:119,473,962, plus strand): 5'-TTACAGTGAATGATTTGGGAGGGGACTTCAAAGGAGTTGGTAAAGGCTCCTTAGCTGCTG[A>G]TAAGGTTGTTGAAGAAATAAGAAGGAGAGGTGGAAAAGCAGTGGCCAACTATGGTATGGT-3'
Protein context (NP_000405.1, residues 46-66): KGVGKGSLAA[Asp56Gly]KVVEEIRRRG